The following is an entry in ClinVar:

NM_005739.4(RASGRP1):c.548T>C (p.Leu183Pro)

Gene: RASGRP1 (RAS guanyl releasing protein 1; minus strand). Cytogenetic location: 15q14.
Variant type: single nucleotide variant.
Coding change: c.548T>C on transcript NM_005739.4 (MANE Select); coding-DNA position 548, T replaced by C.
Protein change: p.Leu183Pro; replaces leucine 183 with proline.
Molecular consequence: missense variant.
Genome position (GRCh38, 1-based): chr15:38,516,324, A>G on the plus strand (T>C on the coding strand, the complement: RASGRP1 is on the minus strand). VCF-style: chr15-38516324-A-G. GRCh37 (hg19) VCF-style: chr15-38808525-A-G.
Other names: c.548T>C, p.Leu183Pro (NM_001128602.2, NM_001306086.2); short protein forms L183P.
Identifiers: ClinVar variation 1975228 (VCV001975228.5), dbSNP rs2542913279, ClinGen allele CA391653987.

ClinVar aggregate classification (germline): Uncertain significance (1 of 4 stars; one submission).

Allele frequency attached by ClinVar (database versions not stated): gnomAD exomes below 0.00001.
gnomAD v4.1: 1 of 1,611,164 alleles (0.000062%); highest among the groups gnomAD compares: Non-Finnish European, 0.000085%; no homozygotes.

Submission:

Labcorp Genetics (formerly Invitae), Labcorp
Classification: Uncertain significance. Last evaluated: 2022-06-15. Review status: criteria provided, single submitter. Criteria: Invitae Variant Classification Sherloc (09022015). Collection method: clinical testing. Allele origin: germline.
Comment: In summary, the available evidence is currently insufficient to determine the role of this variant in disease. Therefore, it has been classified as a Variant of Uncertain Significance. Algorithms developed to predict the effect of missense changes on protein structure and function are either unavailable or do not agree on the potential impact of this missense change (SIFT: "Deleterious"; PolyPhen-2: "Benign"; Align-GVGD: "Class C0"). This variant has not been reported in the literature in individuals affected with RASGRP1-related conditions. This variant is not present in population databases (gnomAD no frequency). This sequence change replaces leucine, which is neutral and non-polar, with proline, which is neutral and non-polar, at codon 183 of the RASGRP1 protein (p.Leu183Pro).